The following is an entry in ClinVar:

ClinVar aggregate classification (germline): Uncertain significance. Review status: criteria provided, multiple submitters, no conflicts (2 of 4 stars). 2 submissions from 2 submitters: Uncertain significance (2). Last evaluated 2024-07-19.

Conditions:
Dilated cardiomyopathy 1W (CMD1W). Identifiers: Orphanet 154, MedGen C1969639, MONDO:0012667, OMIM 611407.

Submissions (2):

Labcorp Genetics (formerly Invitae), Labcorp
Classification: Uncertain significance for Dilated cardiomyopathy 1W. Last evaluated: 2024-07-19. Review status: criteria provided, single submitter. Criteria: Invitae Variant Classification Sherloc (09022015). Collection method: clinical testing. Allele origin: germline.
Comment: This sequence change creates a premature translational stop signal (p.Pro796Argfs*3) in the VCL gene. It is expected to result in an absent or disrupted protein product. However, the current clinical and genetic evidence is not sufficient to establish whether loss-of-function variants in VCL cause disease. This variant is not present in population databases (gnomAD no frequency). This premature translational stop signal has been observed in individual(s) with ventricular tachycardia (PMID: 32516855). ClinVar contains an entry for this variant (Variation ID: 536700). In summary, the available evidence is currently insufficient to determine the role of this variant in disease. Therefore, it has been classified as a Variant of Uncertain Significance.

Mayo Clinic Laboratories, Mayo Clinic
Classification: Uncertain significance. Last evaluated: 2019-05-20. Review status: criteria provided, single submitter. Criteria: ACMG Guidelines, 2015. Collection method: clinical testing. Allele origin: germline. Observed: 1 variant allele.

Literature cited by the submitters: PubMed 32516855 (cited by Labcorp Genetics (formerly Invitae), Labcorp).

NM_014000.3(VCL):c.2387del (p.Pro796fs)

Gene: VCL (vinculin; plus strand). Cytogenetic location: 10q22.2.
Variant type: Deletion.
Coding change: c.2387del on transcript NM_014000.3 (MANE Select); coding-DNA position 2387, one base deleted (C; older notation c.2387delC).
Protein change: p.Pro796fs; shifts the reading frame from proline 796.
Molecular consequence: frameshift variant.
Genome position (GRCh38, 1-based): chr10:74,105,306, C deleted; the last of 4 consecutive C bases (chr10:74,105,303-74,105,306); deleting any one gives the same sequence. VCF-style (leftmost placement, unchanged base first): chr10-74105302-TC-T. GRCh37 (hg19) VCF-style: chr10-75865060-TC-T.
Other names: c.2387del, p.Pro796fs (NM_003373.4); c.2387delC (NM_014000.2); short protein forms P796fs.
Identifiers: ClinVar variation 536700 (VCV000536700.11), dbSNP rs1241654679, ClinGen allele CA658797444.